The following is an entry in ClinVar:

ClinVar aggregate classification (germline): Likely benign (0 of 4 stars; one submission).

Conditions:
PIK3C2B-related disorder. Also called: PIK3C2B-related condition.

Submission:

PreventionGenetics, part of Exact Sciences
Classification: Likely benign for PIK3C2B-related condition. Last evaluated: 2024-06-22. Review status: no assertion criteria provided. Collection method: clinical testing. Allele origin: germline.
Comment: This variant is classified as likely benign based on ACMG/AMP sequence variant interpretation guidelines (Richards et al. 2015 PMID: 25741868, with internal and published modifications).

NM_001377334.1(PIK3C2B):c.4224G>A (p.Glu1408=)

Gene: PIK3C2B (phosphatidylinositol-4-phosphate 3-kinase catalytic subunit type 2 beta; minus strand). Cytogenetic location: 1q32.1.
Variant type: single nucleotide variant.
Coding change: c.4224G>A on transcript NM_001377334.1 (MANE Select); coding-DNA position 4224, G replaced by A.
Protein change: p.Glu1408=; no amino-acid change (glutamic acid 1408 retained).
Molecular consequence: synonymous variant.
Genome position (GRCh38, 1-based): chr1:204,431,725, C>T on the plus strand (G>A on the coding strand, the complement: PIK3C2B is on the minus strand). VCF-style: chr1-204431725-C-T. GRCh37 (hg19) VCF-style: chr1-204400853-C-T.
Other names: c.4140G>A, p.Glu1380= (NM_001377335.1); c.4224G>A, p.Glu1408= (NM_002646.4).
Identifiers: ClinVar variation 3352159 (VCV003352159.1).